The following is an entry in ClinVar:

NM_014714.4(IFT140):c.2137C>T (p.Arg713Trp)

Gene: IFT140 (intraflagellar transport 140; minus strand). Cytogenetic location: 16p13.3.
Variant type: single nucleotide variant.
Coding change: c.2137C>T on transcript NM_014714.4 (MANE Select); coding-DNA position 2137, C replaced by T.
Protein change: p.Arg713Trp; replaces arginine 713 with tryptophan.
Molecular consequence: missense variant.
Genome position (GRCh38, 1-based): chr16:1,562,047, G>A on the plus strand (C>T on the coding strand, the complement: IFT140 is on the minus strand). VCF-style: chr16-1562047-G-A. GRCh37 (hg19) VCF-style: chr16-1612048-G-A.
Other names: short protein forms R713W.
Identifiers: ClinVar variation 2066599 (VCV002066599.3), dbSNP rs148189608, ClinGen allele CA7813996.

ClinVar aggregate classification (germline): Uncertain significance. Review status: criteria provided, multiple submitters, no conflicts (2 of 4 stars). 3 submissions from 3 submitters: Uncertain significance (3). Last evaluated 2023-10-01.

Conditions:
Retinal dystrophy. Also called: Inherited retinal dystrophy. Identifiers: Orphanet 71862, MedGen C0854723, MeSH D058499, MONDO:0019118, HP:0000556.
Saldino-Mainzer syndrome (SRTD9). Also called: CONORENAL SYNDROME; short-rib thoracic dysplasia 9 with or without polydactyly; Renal dysplasia, retinal pigmentary dystrophy, cerebellar ataxia and skeletal dysplasia; SHORT-RIB THORACIC DYSPLASIA 9 WITHOUT POLYDACTYLY. Identifiers: Orphanet 140969, MedGen C1849437, MONDO:0009964, OMIM 266920.

Allele frequency attached by ClinVar (database versions not stated): gnomAD exomes 0.00002; TOPMed 0.00003; ExAC 0.00004; gnomAD 0.00007; ESP Exome Variant Server 0.00008; 1000 Genomes Project 30x 0.00016; 1000 Genomes Project 0.00020.
gnomAD v4.1: 35 of 1,610,436 alleles (0.0022%); highest among the groups gnomAD compares: East Asian, 0.022%; 1 homozygote.

Submissions (3):

Dept Of Ophthalmology, Nagoya University
Classification: Uncertain significance for Retinal dystrophy. Last evaluated: 2023-10-01. Review status: criteria provided, single submitter. Criteria: Submitter's publication. Collection method: research. Allele origin: germline. Affected: yes.

Blueprint Genetics
Classification: Uncertain significance. Last evaluated: 2022-08-23. Review status: criteria provided, single submitter. Criteria: ACMG Guidelines, 2015. Collection method: clinical testing. Allele origin: germline.

Labcorp Genetics (formerly Invitae), Labcorp
Classification: Uncertain significance for Saldino-Mainzer syndrome. Last evaluated: 2022-04-13. Review status: criteria provided, single submitter. Criteria: Invitae Variant Classification Sherloc (09022015). Collection method: clinical testing. Allele origin: germline.
Comment: This sequence change replaces arginine, which is basic and polar, with tryptophan, which is neutral and slightly polar, at codon 713 of the IFT140 protein (p.Arg713Trp). This variant is present in population databases (rs148189608, gnomAD 0.03%). This missense change has been observed in individual(s) with autosomal recessive retinitis pigmentosa (PMID: 33946315). Algorithms developed to predict the effect of missense changes on protein structure and function are either unavailable or do not agree on the potential impact of this missense change (SIFT: "Deleterious"; PolyPhen-2: "Possibly Damaging"; Align-GVGD: "Class C0"). In summary, the available evidence is currently insufficient to determine the role of this variant in disease. Therefore, it has been classified as a Variant of Uncertain Significance.

Literature cited by the submitters: PubMed 33946315 (cited by Labcorp Genetics (formerly Invitae), Labcorp).